The following is an entry in ClinVar:

ClinVar aggregate classification (germline): Pathogenic/Likely pathogenic. Review status: criteria provided, multiple submitters, no conflicts (2 of 4 stars). 2 submissions from 2 submitters: Pathogenic (1); Likely pathogenic (1). Last evaluated 2023-07-07.

Conditions:
Global developmental delay - lung cysts - overgrowth - Wilms tumor syndrome. Also called: GLOBAL DEVELOPMENTAL DELAY, LUNG CYSTS, OVERGROWTH, AND WILMS TUMOR; GLOW Syndrome. Identifiers: Orphanet 404476, MedGen C4748924, MONDO:0018445, OMIM 618272.
DICER1-related tumor predisposition. Also called: DICER1-related pleuropulmonary blastoma cancer predisposition syndrome; DICER1 syndrome. Identifiers: Orphanet 284343, MedGen C3839822, MONDO:0100216.

Submissions (2):

Labcorp Genetics (formerly Invitae), Labcorp
Classification: Pathogenic for DICER1-related tumor predisposition. Last evaluated: 2023-07-07. Review status: criteria provided, single submitter. Criteria: Invitae Variant Classification Sherloc (09022015). Collection method: clinical testing. Allele origin: germline.
Comment: For these reasons, this variant has been classified as Pathogenic. ClinVar contains an entry for this variant (Variation ID: 862376). This premature translational stop signal has been observed in individual(s) with DICER1-related conditions (PMID: 19556464, 21266384). This variant is not present in population databases (gnomAD no frequency). This sequence change creates a premature translational stop signal (p.Lys1350Argfs*29) in the DICER1 gene. It is expected to result in an absent or disrupted protein product. Loss-of-function variants in DICER1 are known to be pathogenic (PMID: 19556464, 21266384).

Women's Health and Genetics/Laboratory Corporation of America, LabCorp
Classification: Likely pathogenic for Global developmental delay - lung cysts - overgrowth - Wilms tumor syndrome. Last evaluated: 2020-02-25. Review status: criteria provided, single submitter. Criteria: LabCorp Variant Classification Summary - May 2015. Collection method: clinical testing. Allele origin: germline.
Comment: Variant summary: DICER1 c.4049delA (p.Lys1350ArgfsX29) results in a premature termination codon, predicted to cause a truncation of the encoded protein or absence of the protein due to nonsense mediated decay, which are known mechanisms for disease. The variant was absent in 250186 control chromosomes (gnomAD). To our knowledge, no occurrence of c.4049delA in individuals affected with GLOW syndrome and no experimental evidence demonstrating its impact on protein function have been reported. No clinical diagnostic laboratories have submitted clinical-significance assessments for this variant to ClinVar after 2014. Based on the evidence outlined above, the variant was classified as likely pathogenic.

Literature cited by the submitters: PubMed 19556464 (cited by Labcorp Genetics (formerly Invitae), Labcorp); PubMed 21266384 (cited by Labcorp Genetics (formerly Invitae), Labcorp).

NM_177438.3(DICER1):c.4049del (p.Lys1350fs)

Gene: DICER1 (dicer 1, ribonuclease III; minus strand). Cytogenetic location: 14q32.13.
Variant type: Deletion.
Coding change: c.4049del on transcript NM_177438.3 (MANE Select); coding-DNA position 4049, one base deleted (A; older notation c.4049delA).
Protein change: p.Lys1350fs; shifts the reading frame from lysine 1350.
Molecular consequence: frameshift variant.
Genome position (GRCh38, 1-based): chr14:95,103,347, T deleted on the plus strand (A on the coding strand, the reverse complement: DICER1 is on the minus strand); the first of 5 consecutive T bases (chr14:95,103,347-95,103,351); deleting any one gives the same sequence. VCF-style (leftmost placement, unchanged base first): chr14-95103346-CT-C. GRCh37 (hg19) VCF-style: chr14-95569683-CT-C.
Other names: c.4049delA (NM_177438.2); c.4049del, p.Lys1350fs (NM_001195573.1, NM_001271282.3, NM_001291628.2 and 1 more transcripts); short protein forms K1350fs.
Identifiers: ClinVar variation 862376 (VCV000862376.12), dbSNP rs1891064547, ClinGen allele CA916081740.